The following is an entry in ClinVar:

ClinVar aggregate classification (germline): Uncertain significance (1 of 4 stars; one submission).

Submission:

GeneDx
Classification: Uncertain significance. Last evaluated: 2019-11-07. Review status: criteria provided, single submitter. Criteria: GeneDx Variant Classification Process June 2021. Collection method: clinical testing. Allele origin: germline. Affected: yes.
Comment: Not observed in large population cohorts (Lek et al., 2016); In silico analysis, which includes protein predictors and evolutionary conservation, supports that this variant does not alter protein structure/function; Has not been previously published as pathogenic or benign to our knowledge

NM_207122.2(EXT2):c.1479T>G (p.Asn493Lys)

Genes: EXT2 (exostosin glycosyltransferase 2; plus strand), LOC126861201 (MED14-independent group 3 enhancer GRCh37_chr11:44218806-44220005; plus strand). Cytogenetic location: 11p11.2.
Variant type: single nucleotide variant.
Coding change: c.1479T>G on transcript NM_207122.2 (MANE Select); coding-DNA position 1479, T replaced by G.
Protein change: p.Asn493Lys; replaces asparagine 493 with lysine.
Molecular consequence: missense variant.
Genome position (GRCh38, 1-based): chr11:44,198,002, T>G. VCF-style: chr11-44198002-T-G. GRCh37 (hg19) VCF-style: chr11-44219552-T-G.
Other names: c.1578T>G, p.Asn526Lys (NM_000401.3); c.1509T>G, p.Asn503Lys (NM_001178083.3); c.1479T>G, p.Asn493Lys (NM_001389628.1, NM_001389630.1); short protein forms N493K, N526K, N503K.
Identifiers: ClinVar variation 450237 (VCV000450237.3), dbSNP rs1555016719, ClinGen allele CA380179284.